The following is an entry in ClinVar:

ClinVar aggregate classification (germline): Uncertain significance (1 of 4 stars; one submission).

Conditions:
SMARCC2-related disorder. Also called: SMARCC2-related condition.

Allele frequency attached by ClinVar (database versions not stated): gnomAD exomes below 0.00001.
gnomAD v4.1: 1 of 1,613,448 alleles (0.000062%); highest among the groups gnomAD compares: South Asian, 0.0011%; no homozygotes.

Submission:

PreventionGenetics, part of Exact Sciences
Classification: Uncertain significance for SMARCC2-related condition. Last evaluated: 2023-07-12. Review status: criteria provided, single submitter. Criteria: ACMG Guidelines, 2015. Collection method: clinical testing. Allele origin: germline.
Comment: The SMARCC2 c.1063G>T variant is predicted to result in the amino acid substitution p.Val355Leu. To our knowledge, this variant has not been reported in the literature or in a large population database, indicating this variant is rare. At this time, the clinical significance of this variant is uncertain due to the absence of conclusive functional and genetic evidence.

NM_001330288.2(SMARCC2):c.1063G>T (p.Val355Leu)

Gene: SMARCC2 (SWI/SNF related BAF chromatin remodeling complex subunit C2; minus strand). Cytogenetic location: 12q13.2.
Variant type: single nucleotide variant.
Coding change: c.1063G>T on transcript NM_001330288.2 (MANE Select); coding-DNA position 1063, G replaced by T.
Protein change: p.Val355Leu; replaces valine 355 with leucine.
Molecular consequence: missense variant.
Genome position (GRCh38, 1-based): chr12:56,180,995, C>A on the plus strand (G>T on the coding strand, the complement: SMARCC2 is on the minus strand). VCF-style: chr12-56180995-C-A. GRCh37 (hg19) VCF-style: chr12-56574779-C-A.
Other names: c.1063G>T, p.Val355Leu (NM_001130420.3, NM_003075.5, NM_139067.4); short protein forms V355L.
Identifiers: ClinVar variation 2631394 (VCV002631394.1), dbSNP rs1876093008, ClinGen allele CA385352499.